The following is an entry in ClinVar:

NM_144997.7(FLCN):c.928G>A (p.Ala310Thr)

Gene: FLCN (folliculin; minus strand). Cytogenetic location: 17p11.2.
Variant type: single nucleotide variant.
Coding change: c.928G>A on transcript NM_144997.7 (MANE Select); coding-DNA position 928, G replaced by A.
Protein change: p.Ala310Thr; replaces alanine 310 with threonine.
Molecular consequence: missense variant.
Genome position (GRCh38, 1-based): chr17:17,219,153, C>T on the plus strand (G>A on the coding strand, the complement: FLCN is on the minus strand). VCF-style: chr17-17219153-C-T. GRCh37 (hg19) VCF-style: chr17-17122467-C-T.
Other names: c.928G>A (LRG_325t1); c.982G>A, p.Ala328Thr (NM_001353229.2); c.928G>A, p.Ala310Thr (NM_001353230.2, NM_001353231.2); short protein forms A310T, A328T.
Identifiers: ClinVar variation 654466 (VCV000654466.7), dbSNP rs748491270, ClinGen allele CA8416194.

ClinVar aggregate classification (germline): Uncertain significance. Review status: criteria provided, multiple submitters, no conflicts (2 of 4 stars). 2 submissions from 2 submitters: Uncertain significance (2). Last evaluated 2023-03-18.

Conditions:
Hereditary cancer-predisposing syndrome. Also called: Neoplastic Syndromes, Hereditary; Hereditary neoplastic syndrome; Hereditary Cancer Syndrome; Tumor predisposition. Identifiers: Orphanet 140162, MedGen C0027672, MeSH D009386, MONDO:0015356.
Birt-Hogg-Dube syndrome. Also called: Birt Hogg Dubé syndrome. Identifiers: Orphanet 122, MedGen C0346010, MONDO:0800444.

Allele frequency attached by ClinVar (database versions not stated): gnomAD exomes below 0.00001; ExAC 0.00001.

Submissions (2):

Labcorp Genetics (formerly Invitae), Labcorp
Classification: Uncertain significance for Birt-Hogg-Dube syndrome. Last evaluated: 2023-03-18. Review status: criteria provided, single submitter. Criteria: Invitae Variant Classification Sherloc (09022015). Collection method: clinical testing. Allele origin: germline.
Comment: In summary, the available evidence is currently insufficient to determine the role of this variant in disease. Therefore, it has been classified as a Variant of Uncertain Significance. Advanced modeling of protein sequence and biophysical properties (such as structural, functional, and spatial information, amino acid conservation, physicochemical variation, residue mobility, and thermodynamic stability) performed at Invitae indicates that this missense variant is not expected to disrupt FLCN protein function. ClinVar contains an entry for this variant (Variation ID: 654466). This variant has not been reported in the literature in individuals affected with FLCN-related conditions. This variant is present in population databases (rs748491270, gnomAD 0.0009%). This sequence change replaces alanine, which is neutral and non-polar, with threonine, which is neutral and polar, at codon 310 of the FLCN protein (p.Ala310Thr).

Ambry Genetics
Classification: Uncertain significance for Hereditary cancer-predisposing syndrome. Last evaluated: 2022-12-14. Review status: criteria provided, single submitter. Criteria: Ambry Variant Classification Scheme 2023. Collection method: clinical testing. Allele origin: germline.
Comment: The p.A310T variant (also known as c.928G>A), located in coding exon 6 of the FLCN gene, results from a G to A substitution at nucleotide position 928. The alanine at codon 310 is replaced by threonine, an amino acid with similar properties. This amino acid position is not well conserved in available vertebrate species. In addition, this alteration is predicted to be tolerated by in silico analysis. Since supporting evidence is limited at this time, the clinical significance of this alteration remains unclear.